The following is an entry in ClinVar:

NM_001164508.2(NEB):c.20872G>T (p.Ala6958Ser)

Gene: NEB (nebulin; minus strand). Cytogenetic location: 2q23.3.
Variant type: single nucleotide variant.
Coding change: c.20872G>T on transcript NM_001164508.2 (MANE Select); coding-DNA position 20872, G replaced by T.
Protein change: p.Ala6958Ser; replaces alanine 6958 with serine.
Molecular consequence: missense variant.
Genome position (GRCh38, 1-based): chr2:151,540,364, C>A on the plus strand (G>T on the coding strand, the complement: NEB is on the minus strand). VCF-style: chr2-151540364-C-A. GRCh37 (hg19) VCF-style: chr2-152396878-C-A.
Other names: c.20872G>T, p.Ala6958Ser (NM_001164507.2, NM_001271208.2); c.15769G>T, p.Ala5257Ser (NM_004543.5); short protein forms A5257S, A6958S.
Identifiers: ClinVar variation 3365997 (VCV003365997.1).

ClinVar aggregate classification (germline): Uncertain significance (1 of 4 stars; one submission).

Submission:

GeneDx
Classification: Uncertain significance. Last evaluated: 2023-10-15. Review status: criteria provided, single submitter. Criteria: GeneDx Variant Classification Process June 2021. Collection method: clinical testing. Allele origin: germline. Affected: yes.
Comment: Has not been previously published as pathogenic or benign to our knowledge; Not observed at significant frequency in large population cohorts (gnomAD); In silico analysis supports that this missense variant does not alter protein structure/function